The following is an entry in ClinVar:

NM_002880.4(RAF1):c.1156C>T (p.Gln386Ter)

Gene: RAF1 (Raf-1 proto-oncogene, serine/threonine kinase; minus strand). Cytogenetic location: 3p25.2.
Variant type: single nucleotide variant.
Coding change: c.1156C>T on transcript NM_002880.4 (MANE Select); coding-DNA position 1156, C replaced by T.
Protein change: p.Gln386Ter; replaces glutamine 386 with a stop codon.
Molecular consequence: nonsense. On other transcripts: non-coding transcript variant (3).
Genome position (GRCh38, 1-based): chr3:12,591,745, G>A on the plus strand (C>T on the coding strand, the complement: RAF1 is on the minus strand). VCF-style: chr3-12591745-G-A. GRCh37 (hg19) VCF-style: chr3-12633244-G-A.
Other names: c.1216C>T, p.Gln406Ter (NM_001354689.3); c.1156C>T, p.Gln386Ter (NM_001354690.3); c.913C>T, p.Gln305Ter (NM_001354691.3, NM_001354692.3); c.1057C>T, p.Gln353Ter (NM_001354693.3); c.973C>T, p.Gln325Ter (NM_001354694.3); c.814C>T, p.Gln272Ter (NM_001354695.3); short protein forms Q325*, Q305*, Q272*, Q406*, Q353*, Q386*.
Identifiers: ClinVar variation 3729669 (VCV003729669.2).

ClinVar aggregate classification (germline): Uncertain significance (1 of 4 stars; one submission).

Conditions:
RASopathy. Also called: rasopathies; Noonan spectrum disorder. Identifiers: Orphanet 536391, MedGen C5555857, MONDO:0021060.

Submission:

Labcorp Genetics (formerly Invitae), Labcorp
Classification: Uncertain significance for RASopathy. Last evaluated: 2025-01-27. Review status: criteria provided, single submitter. Criteria: Invitae Variant Classification Sherloc (09022015). Collection method: clinical testing. Allele origin: germline.
Comment: This sequence change creates a premature translational stop signal (p.Gln386*) in the RAF1 gene. It is expected to result in an absent or disrupted protein product. However, the current clinical and genetic evidence is not sufficient to establish whether loss-of-function variants in RAF1 cause disease. This variant is not present in population databases (gnomAD no frequency). This variant has not been reported in the literature in individuals affected with RAF1-related conditions. In summary, the available evidence is currently insufficient to determine the role of this variant in disease. Therefore, it has been classified as a Variant of Uncertain Significance.